The following is an entry in ClinVar:

NM_130837.3(OPA1):c.1377+1G>A

Gene: OPA1 (OPA1 mitochondrial dynamin like GTPase; plus strand). Cytogenetic location: 3q29.
Variant type: single nucleotide variant.
Coding change: c.1377+1G>A on transcript NM_130837.3 (MANE Select); the canonical splice donor site of the intron after coding-DNA position 1377, G replaced by A.
Molecular consequence: splice donor variant.
Genome position (GRCh38, 1-based): chr3:193,643,445, G>A. VCF-style: chr3-193643445-G-A. GRCh37 (hg19) VCF-style: chr3-193361234-G-A.
Other names: c.1266+1G>A (NM_130834.3); c.1323+1G>A (NM_130836.3); c.1212+1G>A (NM_015560.3); c.1269+1G>A (NM_130835.3); c.1158+1G>A (NM_130832.3); c.1215+1G>A (NM_130833.3); c.1104+1G>A (NM_130831.3); c.840+1G>A (NM_001354664.2); and 2 more.
Identifiers: ClinVar variation 2203480 (VCV002203480.15), dbSNP rs2109043749, ClinGen allele CA355789435.
Genomic context (GRCh38, chr3:193,643,445, plus strand): 5'-AATGTAAAAGGCCCTGGACTACAGAGGATGGTGCTTGTTGACTTACCAGGTGTGATTAAT[G>A]TAAGTATATACAAAACATGTATTTTATTTTATTCTTATTGTGTGAAGCATTTATAATGAC-3'

ClinVar aggregate classification (germline): Pathogenic. Review status: criteria provided, multiple submitters, no conflicts (2 of 4 stars). 5 submissions from 5 submitters: Pathogenic (5). Last evaluated 2025-12-09.

Conditions:
OPA1-related disorder. Also called: OPA1-related condition; OPA1-related disorders.

Submissions (5):

PreventionGenetics, part of Exact Sciences
Classification: Pathogenic for OPA1-related condition. Last evaluated: 2025-12-09. Review status: criteria provided, single submitter. Criteria: ACMG Guidelines, 2015. Collection method: clinical testing. Allele origin: germline.
Comment: The OPA1 c.1377+1G>A variant is predicted to disrupt the GT donor site and interfere with normal splicing. This variant is also known as c.1212+1G>A in transcript NM_015560. This variant has been reported many times in the heterozygous state in individuals with optic atrophy (see for examples: Cascavilla et al. 2017. PubMed ID: 28926202; Table S2, Li et al. 2020. PubMed ID: 32855858; Table S1, Lin et al. 2024. PubMed ID: 38219857). This variant is absent in a large population database (gnomAD), indicating this variant is rare. Variants that disrupt the consensus splice donor site in OPA1 are an established mechanism of disease. This variant is interpreted as pathogenic.

Dasa
Classification: Pathogenic. Last evaluated: 2025-11-14. Review status: criteria provided, single submitter. Criteria: DASA Assertion Criteria. Collection method: clinical testing. Allele origin: germline.
Comment: NM_130837.3(OPA1):c.1377+1G>A introduces a premature termination codon predicted to result in loss of normal protein function. Loss-of-function is an established mechanism of disease for this gene. This variant results in the same amino acid change as a previously established pathogenic variant. This variant has been recurrently observed in individuals with related phenotype (PMID: 33884488; PMID: 11810270). The variant is present at low frequency in population datasets. Based on the available data, this variant is classified as pathogenic.

CeGaT Center for Human Genetics Tuebingen
Classification: Pathogenic. Last evaluated: 2025-06-01. Review status: criteria provided, single submitter. Criteria: CeGaT Center For Human Genetics Tuebingen Variant Classification Criteria Version 2. Collection method: clinical testing. Allele origin: germline. Affected: yes. Observed: 1 variant allele.
Comment: OPA1: PS4, PVS1:Strong, PM2, PS1:Supporting

Labcorp Genetics (formerly Invitae), Labcorp
Classification: Pathogenic. Last evaluated: 2022-10-28. Review status: criteria provided, single submitter. Criteria: Invitae Variant Classification Sherloc (09022015). Collection method: clinical testing. Allele origin: germline.
Comment: For these reasons, this variant has been classified as Pathogenic. Algorithms developed to predict the effect of sequence changes on RNA splicing suggest that this variant may disrupt the consensus splice site. Disruption of this splice site has been observed in individuals with autosomal dominant optic atrophy and/or optic neuropathy (PMID: 11810270, 28926202, 32855858, 33884488, 34242285). This variant is not present in population databases (gnomAD no frequency). This sequence change affects a donor splice site in intron 12 of the OPA1 gene. It is expected to disrupt RNA splicing. Variants that disrupt the donor or acceptor splice site typically lead to a loss of protein function (PMID: 16199547), and loss-of-function variants in OPA1 are known to be pathogenic (PMID: 11440988, 20157015, 20952381, 25012220).

Blueprint Genetics
Classification: Pathogenic for OPA1-related disorders. Last evaluated: 2022-06-30. Review status: criteria provided, single submitter. Criteria: ACMG Guidelines, 2015. Collection method: clinical testing. Allele origin: germline. Affected: yes. Observed: 3 variant alleles.

Literature cited by the submitters: PubMed 33884488 (cited by Dasa and Labcorp Genetics (formerly Invitae), Labcorp); PubMed 11810270 (cited by Dasa and Labcorp Genetics (formerly Invitae), Labcorp); PubMed 28926202 (cited by Labcorp Genetics (formerly Invitae), Labcorp); PubMed 32855858 (cited by Labcorp Genetics (formerly Invitae), Labcorp); PubMed 34242285 (cited by Labcorp Genetics (formerly Invitae), Labcorp); PubMed 16199547 (cited by Labcorp Genetics (formerly Invitae), Labcorp); PubMed 11440988 (cited by Labcorp Genetics (formerly Invitae), Labcorp); PubMed 20157015 (cited by Labcorp Genetics (formerly Invitae), Labcorp); PubMed 20952381 (cited by Labcorp Genetics (formerly Invitae), Labcorp); PubMed 25012220 (cited by Labcorp Genetics (formerly Invitae), Labcorp).